The following is an entry in ClinVar:

ClinVar aggregate classification (germline): Uncertain significance (1 of 4 stars; one submission).

Allele frequency attached by ClinVar (database versions not stated): gnomAD 0.00001.
gnomAD v4.1: 1 of 1,613,844 alleles (0.000062%); highest among the groups gnomAD compares: African/African-American, 0.0013%; no homozygotes.

Submission:

Labcorp Genetics (formerly Invitae), Labcorp
Classification: Uncertain significance. Last evaluated: 2022-12-08. Review status: criteria provided, single submitter. Criteria: Invitae Variant Classification Sherloc (09022015). Collection method: clinical testing. Allele origin: germline.
Comment: This variant is present in population databases (no rsID available, gnomAD 0.01%). This variant has not been reported in the literature in individuals affected with SHANK1-related conditions. Experimental studies and prediction algorithms are not available or were not evaluated, and the functional significance of this variant is currently unknown. In summary, the available evidence is currently insufficient to determine the role of this variant in disease. Therefore, it has been classified as a Variant of Uncertain Significance. This sequence change replaces threonine, which is neutral and polar, with asparagine, which is neutral and polar, at codon 361 of the SHANK1 protein (p.Thr361Asn).

NM_016148.5(SHANK1):c.1082C>A (p.Thr361Asn)

Gene: SHANK1 (SH3 and multiple ankyrin repeat domains 1; minus strand). Cytogenetic location: 19q13.33.
Variant type: single nucleotide variant.
Coding change: c.1082C>A on transcript NM_016148.5 (MANE Select); coding-DNA position 1082, C replaced by A.
Protein change: p.Thr361Asn; replaces threonine 361 with asparagine.
Molecular consequence: missense variant.
Genome position (GRCh38, 1-based): chr19:50,704,510, G>T on the plus strand (C>A on the coding strand, the complement: SHANK1 is on the minus strand). VCF-style: chr19-50704510-G-T. GRCh37 (hg19) VCF-style: chr19-51207767-G-T.
Other names: short protein forms T361N.
Identifiers: ClinVar variation 2819508 (VCV002819508.3), dbSNP rs1371113973, ClinGen allele CA407036532.